The following is an entry in ClinVar:

ClinVar aggregate classification (germline): Uncertain significance (1 of 4 stars; one submission).

Allele frequency attached by ClinVar (database versions not stated): gnomAD exomes below 0.00001.
gnomAD v4.1: 2 of 1,614,166 alleles (0.00012%); highest among the groups gnomAD compares: South Asian, 0.0011%; no homozygotes.

Submission:

CeGaT Center for Human Genetics Tuebingen
Classification: Uncertain significance. Last evaluated: 2022-09-01. Review status: criteria provided, single submitter. Criteria: CeGaT Center For Human Genetics Tuebingen Variant Classification Criteria Version 2. Collection method: clinical testing. Allele origin: germline. Affected: yes. Observed: 1 variant allele.
Comment: ARID1A: PM2:Supporting, BP4

NM_006015.6(ARID1A):c.4368A>G (p.Pro1456=)

Gene: ARID1A (AT-rich interaction domain 1A; plus strand). Cytogenetic location: 1p36.11.
Variant type: single nucleotide variant.
Coding change: c.4368A>G on transcript NM_006015.6 (MANE Select); coding-DNA position 4368, A replaced by G.
Protein change: p.Pro1456=; no amino-acid change (proline 1456 retained).
Molecular consequence: synonymous variant. On other transcripts: intron variant (1).
Genome position (GRCh38, 1-based): chr1:26,774,595, A>G. VCF-style: chr1-26774595-A-G. GRCh37 (hg19) VCF-style: chr1-27101086-A-G.
Other names: c.4102-385A>G (NM_139135.4).
Identifiers: ClinVar variation 2638538 (VCV002638538.24), dbSNP rs2124118890, ClinGen allele CA416968011.